The following is an entry in ClinVar:

NM_018105.3(THAP1):c.112G>A (p.Ala38Thr)

Gene: THAP1 (THAP domain containing 1; minus strand). Cytogenetic location: 8p11.21.
Variant type: single nucleotide variant.
Coding change: c.112G>A on transcript NM_018105.3 (MANE Select); coding-DNA position 112, G replaced by A.
Protein change: p.Ala38Thr; replaces alanine 38 with threonine.
Molecular consequence: missense variant. On other transcripts: intron variant (1).
Genome position (GRCh38, 1-based): chr8:42,839,341, C>T on the plus strand (G>A on the coding strand, the complement: THAP1 is on the minus strand). VCF-style: chr8-42839341-C-T. GRCh37 (hg19) VCF-style: chr8-42694484-C-T.
Other names: c.72-1005G>A (NM_199003.2); short protein forms A38T.
Identifiers: ClinVar variation 2416151 (VCV002416151.6), dbSNP rs770527058, ClinGen allele CA4734599.

ClinVar aggregate classification (germline): Uncertain significance (1 of 4 stars; one submission).

Conditions:
Torsion dystonia 6 (DYT6). Also called: DYT-THAP1. Identifiers: Orphanet 98806, MedGen C1414216, MONDO:0011264, OMIM 602629.

Allele frequency attached by ClinVar (database versions not stated): gnomAD exomes below 0.00001; ExAC 0.00001.

Submission:

Labcorp Genetics (formerly Invitae), Labcorp
Classification: Uncertain significance for Torsion dystonia 6. Last evaluated: 2022-08-09. Review status: criteria provided, single submitter. Criteria: Invitae Variant Classification Sherloc (09022015). Collection method: clinical testing. Allele origin: germline.
Comment: In summary, the available evidence is currently insufficient to determine the role of this variant in disease. Therefore, it has been classified as a Variant of Uncertain Significance. This sequence change replaces alanine, which is neutral and non-polar, with threonine, which is neutral and polar, at codon 38 of the THAP1 protein (p.Ala38Thr). This variant is present in population databases (rs770527058, gnomAD 0.006%). This variant has not been reported in the literature in individuals affected with THAP1-related conditions. Algorithms developed to predict the effect of missense changes on protein structure and function (SIFT, PolyPhen-2, Align-GVGD) all suggest that this variant is likely to be tolerated.